The following is an entry in ClinVar:

ClinVar aggregate classification (germline): Uncertain significance (1 of 4 stars; one submission).

Conditions:
Inborn genetic diseases. Identifiers: MedGen C0950123, MeSH D030342.

Submission:

Ambry Genetics
Classification: Uncertain significance for Inborn genetic diseases. Last evaluated: 2025-10-25. Review status: criteria provided, single submitter. Criteria: Ambry Variant Classification Scheme 2023. Collection method: clinical testing. Allele origin: germline.
Comment: The p.G575D variant (also known as c.1724G>A), located in coding exon 10 of the FANCM gene, results from a G to A substitution at nucleotide position 1724. The glycine at codon 575 is replaced by aspartic acid, an amino acid with similar properties. This amino acid position is conserved. In addition, this alteration is predicted to be deleterious by in silico analysis. Based on the available evidence, the clinical significance of this variant remains unclear.

NM_020937.4(FANCM):c.1724G>A (p.Gly575Asp)

Gene: FANCM (FA complementation group M; plus strand). Cytogenetic location: 14q21.2.
Variant type: single nucleotide variant.
Coding change: c.1724G>A on transcript NM_020937.4 (MANE Select); coding-DNA position 1724, G replaced by A.
Protein change: p.Gly575Asp; replaces glycine 575 with aspartic acid.
Molecular consequence: missense variant.
Genome position (GRCh38, 1-based): chr14:45,164,501, G>A. VCF-style: chr14-45164501-G-A. GRCh37 (hg19) VCF-style: chr14-45633704-G-A.
Other names: c.1646G>A, p.Gly549Asp (NM_001308133.2); c.1724G>A, p.Gly575Asp (NM_001308134.2); short protein forms G549D, G575D.
Identifiers: ClinVar variation 4619518 (VCV004619518.1).
Genomic context (GRCh38, chr14:45,164,501, plus strand): 5'-TTGATCTTATAATATGTTTTGATTCCCAGAAGAGCCCAATTCGTCTTGTACAACGAATGG[G>A]TAGAACTGGCCGTAAACGTCAAGGCAGGATAGTTATTATCCTTTCTGAAGGACGAGAGGA-3'
Protein context (NP_065988.1, residues 565-585): KSPIRLVQRM[Gly575Asp]RTGRKRQGRI